The following is an entry in ClinVar:

NM_001369268.1(ACAN):c.2999T>G (p.Val1000Gly)

Gene: ACAN (aggrecan; plus strand). Cytogenetic location: 15q26.1.
Variant type: single nucleotide variant.
Coding change: c.2999T>G on transcript NM_001369268.1 (MANE Select); coding-DNA position 2999, T replaced by G.
Protein change: p.Val1000Gly; replaces valine 1000 with glycine.
Molecular consequence: missense variant.
Genome position (GRCh38, 1-based): chr15:88,855,584, T>G. VCF-style: chr15-88855584-T-G. GRCh37 (hg19) VCF-style: chr15-89398815-T-G.
Other names: c.2999T>G, p.Val1000Gly (NM_001135.4, NM_013227.4); short protein forms V1000G.
Identifiers: ClinVar variation 1050191 (VCV001050191.1), dbSNP rs2141604355, ClinGen allele CA393718393.

ClinVar aggregate classification (germline): Uncertain significance (0 of 4 stars; one submission).

Submission:

Department of Pathology and Laboratory Medicine, Sinai Health System
Classification: Uncertain significance. Review status: no assertion criteria provided. Collection method: clinical testing. Allele origin: unknown. Affected: yes. Study: The Canadian Open Genetics Repository (COGR).
Comment: The ACAN p.Val1000Gly variant was not identified in the literature nor was it identified in the dbSNP, ClinVar, Cosmic, MutDB or LOVD 3.0 databases. The variant was not identified in the following control databases: the 1000 Genomes Project, the NHLBI GO Exome Sequencing Project, the Exome Aggregation Consortium (August 8th 2016), or the Genome Aggregation Database (Feb 27, 2017). The p.Val1000 residue is not conserved in mammals and four out of five computational analyses (PolyPhen-2, SIFT, AlignGVGD, and MutationTaster) do not suggest a high likelihood of impact to the protein; however, this information is not predictive enough to rule out pathogenicity. In summary, based on the above information the clinical significance of this variant cannot be determined with certainty at this time. This variant is classified as a variant of uncertain significance.